The following is an entry in ClinVar:

NM_032119.4(ADGRV1):c.8092A>G (p.Asn2698Asp)

Gene: ADGRV1 (adhesion G protein-coupled receptor V1; plus strand). Cytogenetic location: 5q14.3.
Variant type: single nucleotide variant.
Coding change: c.8092A>G on transcript NM_032119.4 (MANE Select); coding-DNA position 8092, A replaced by G.
Protein change: p.Asn2698Asp; replaces asparagine 2698 with aspartic acid.
Molecular consequence: missense variant. On other transcripts: non-coding transcript variant (1).
Genome position (GRCh38, 1-based): chr5:90,697,083, A>G. VCF-style: chr5-90697083-A-G. GRCh37 (hg19) VCF-style: chr5-89992900-A-G.
Other names: c.8092A>G (NM_032119.3); short protein forms N2698D.
Identifiers: ClinVar variation 1955294 (VCV001955294.3), dbSNP rs1482646280, ClinGen allele CA360385722.

ClinVar aggregate classification (germline): Uncertain significance. Review status: criteria provided, multiple submitters, no conflicts (2 of 4 stars). 2 submissions from 2 submitters: Uncertain significance (2). Last evaluated 2026-01-30.

Allele frequency attached by ClinVar (database versions not stated): gnomAD exomes below 0.00001.
gnomAD v4.1: 2 of 1,613,476 alleles (0.00012%); highest among the groups gnomAD compares: Admixed American, 0.0017%; no homozygotes.

Submissions (2):

GeneDx
Classification: Uncertain significance. Last evaluated: 2026-01-30. Review status: criteria provided, single submitter. Criteria: GeneDx Variant Classification Process June 2021. Collection method: clinical testing. Allele origin: germline.
Comment: Not observed at significant frequency in large population cohorts (gnomAD); In silico analysis supports that this missense variant has a deleterious effect on protein structure/function; Has not been previously published as pathogenic or benign to our knowledge

Labcorp Genetics (formerly Invitae), Labcorp
Classification: Uncertain significance. Last evaluated: 2022-08-16. Review status: criteria provided, single submitter. Criteria: Invitae Variant Classification Sherloc (09022015). Collection method: clinical testing. Allele origin: germline.
Comment: This sequence change replaces asparagine, which is neutral and polar, with aspartic acid, which is acidic and polar, at codon 2698 of the ADGRV1 protein (p.Asn2698Asp). This variant is present in population databases (no rsID available, gnomAD 0.003%). This variant has not been reported in the literature in individuals affected with ADGRV1-related conditions. Algorithms developed to predict the effect of missense changes on protein structure and function are either unavailable or do not agree on the potential impact of this missense change (SIFT: "Deleterious"; PolyPhen-2: "Benign"; Align-GVGD: "Class C0"). In summary, the available evidence is currently insufficient to determine the role of this variant in disease. Therefore, it has been classified as a Variant of Uncertain Significance.